The following is an entry in ClinVar:

ClinVar aggregate classification (germline): Uncertain significance. Review status: criteria provided, multiple submitters, no conflicts (2 of 4 stars). 2 submissions from 2 submitters: Uncertain significance (2). Last evaluated 2023-10-12.

Conditions:
Mitochondrial DNA depletion syndrome 9 (MTDPS9). Also called: SUCLG1-Related Mitochondrial DNA Depletion Syndrome, Encephalomyopathic Form with Methylmalonic Aciduria. Identifiers: Orphanet 17, MedGen C3151476, MONDO:0009504, OMIM 245400.

Allele frequency attached by ClinVar (database versions not stated): gnomAD exomes 0.00004 and 0.00008; ExAC 0.00010; gnomAD 0.00019; TOPMed 0.00022; 1000 Genomes Project 30x 0.00031; ESP Exome Variant Server 0.00038; 1000 Genomes Project 0.00040.

Submissions (2):

Women's Health and Genetics/Laboratory Corporation of America, LabCorp
Classification: Uncertain significance. Last evaluated: 2023-10-12. Review status: criteria provided, single submitter. Criteria: LabCorp Variant Classification Summary - May 2015. Collection method: clinical testing. Allele origin: germline.
Comment: Variant summary: SUCLG1 c.101C>T (p.Pro34Leu) results in a non-conservative amino acid change in the encoded protein sequence. Four of five in-silico tools predict a benign effect of the variant on protein function. The variant allele was found at a frequency of 8.4e-05 in 214042 control chromosomes. This frequency is not significantly higher than estimated for a pathogenic variant in SUCLG1 causing Mitochondrial DNA Depletion Syndrome 9 (8.4e-05 vs ND), allowing no conclusion about variant significance. To our knowledge, no occurrence of c.101C>T in individuals affected with Mitochondrial DNA Depletion Syndrome 9 and no experimental evidence demonstrating its impact on protein function have been reported. Two submitters have cited clinical-significance assessments for this variant to ClinVar after 2014. All submitters classified the variant as uncertain significance. Based on the evidence outlined above, the variant was classified as uncertain significance.

Labcorp Genetics (formerly Invitae), Labcorp
Classification: Uncertain significance for Mitochondrial DNA depletion syndrome 9. Last evaluated: 2022-06-29. Review status: criteria provided, single submitter. Criteria: Invitae Variant Classification Sherloc (09022015). Collection method: clinical testing. Allele origin: germline.
Comment: This sequence change replaces proline, which is neutral and non-polar, with leucine, which is neutral and non-polar, at codon 34 of the SUCLG1 protein (p.Pro34Leu). This variant is present in population databases (rs149809280, gnomAD 0.07%). This variant has not been reported in the literature in individuals affected with SUCLG1-related conditions. ClinVar contains an entry for this variant (Variation ID: 337160). Algorithms developed to predict the effect of missense changes on protein structure and function are either unavailable or do not agree on the potential impact of this missense change (SIFT: "Tolerated"; PolyPhen-2: "Possibly Damaging"; Align-GVGD: "Class C0"). In summary, the available evidence is currently insufficient to determine the role of this variant in disease. Therefore, it has been classified as a Variant of Uncertain Significance.

NM_003849.4(SUCLG1):c.101C>T (p.Pro34Leu)

Gene: SUCLG1 (succinate-CoA ligase GDP/ADP-forming subunit alpha; minus strand). Cytogenetic location: 2p11.2.
Variant type: single nucleotide variant.
Coding change: c.101C>T on transcript NM_003849.4 (MANE Select); coding-DNA position 101, C replaced by T.
Protein change: p.Pro34Leu; replaces proline 34 with leucine.
Molecular consequence: missense variant.
Genome position (GRCh38, 1-based): chr2:84,449,749, G>A on the plus strand (C>T on the coding strand, the complement: SUCLG1 is on the minus strand). VCF-style: chr2-84449749-G-A. GRCh37 (hg19) VCF-style: chr2-84676873-G-A.
Other names: short protein forms P34L.
Identifiers: ClinVar variation 337160 (VCV000337160.10), dbSNP rs149809280, ClinGen allele CA1736423.
Genomic context (GRCh38, chr2:84,449,749, plus strand): 5'-TTATCAACATAGAGATGTTGCCGAGAAGCTGTGTAGGAACAATGCCGAATTCCATTCTGC[G>A]GCACTAAGAGGTTAAAAAAAAAAAAAAAAAAAAAAAAAGACACATTATAATTTTTCTAAA-3'
Protein context (NP_003840.2, residues 24-44): ARLLSRSFLL[Pro34Leu]QNGIRHCSYT